The following is an entry in ClinVar:

NM_002645.4(PIK3C2A):c.2982A>G (p.Gln994=)

Gene: PIK3C2A (phosphatidylinositol-4-phosphate 3-kinase catalytic subunit type 2 alpha; minus strand). Cytogenetic location: 11p15.1.
Variant type: single nucleotide variant.
Coding change: c.2982A>G on transcript NM_002645.4 (MANE Select); coding-DNA position 2982, A replaced by G.
Protein change: p.Gln994=; no amino-acid change (glutamine 994 retained).
Molecular consequence: synonymous variant.
Genome position (GRCh38, 1-based): chr11:17,118,698, T>C on the plus strand (A>G on the coding strand, the complement: PIK3C2A is on the minus strand). VCF-style: chr11-17118698-T-C. GRCh37 (hg19) VCF-style: chr11-17140245-T-C.
Other names: c.2982A>G, p.Gln994= (NM_001321378.2); c.1842A>G, p.Gln614= (NM_001321380.2); c.2814A>G, p.Gln938= (NM_001386870.1).
Identifiers: ClinVar variation 2914485 (VCV002914485.3), dbSNP rs2494053917, ClinGen allele CA473276663.
Genomic context (GRCh38, chr11:17,118,698, plus strand): 5'-ATCTTACCAATATAAATTGTGTGCTATCTGGATATTTCCCAATGCCCTGGACAAAAGGAA[T>C]TGCACTAATGAACTATTCAAGTAAATTTCATATTTCAAAGCCTACAGTAAAAGAAAATAA-3'
Protein context (NP_002636.2, residues 984-1004): YEIYLNSSLV[Gln994=]FLLSRALGNI

ClinVar aggregate classification (germline): Uncertain significance (1 of 4 stars; one submission).

Allele frequency attached by ClinVar (database versions not stated): gnomAD exomes below 0.00001.
gnomAD v4.1: 1 of 1,569,462 alleles (0.000064%); no homozygotes.

Submission:

Labcorp Genetics (formerly Invitae), Labcorp
Classification: Uncertain significance. Last evaluated: 2023-08-05. Review status: criteria provided, single submitter. Criteria: Invitae Variant Classification Sherloc (09022015). Collection method: clinical testing. Allele origin: germline.
Comment: This sequence change affects codon 994 of the PIK3C2A mRNA. It is a 'silent' change, meaning that it does not change the encoded amino acid sequence of the PIK3C2A protein. This variant is not present in population databases (gnomAD no frequency). This variant has not been reported in the literature in individuals affected with PIK3C2A-related conditions. Algorithms developed to predict the effect of sequence changes on RNA splicing suggest that this variant may disrupt the consensus splice site. In summary, the available evidence is currently insufficient to determine the role of this variant in disease. Therefore, it has been classified as a Variant of Uncertain Significance.